The following is an entry in ClinVar:

ClinVar aggregate classification (germline): Likely benign (1 of 4 stars; one submission).

Conditions:
Wilson disease (WND). Also called: Wilson's disease. Identifiers: Orphanet 905, MedGen C0019202, MONDO:0010200, OMIM 277900. Disease mechanism: loss of function.

Submission:

All of Us Research Program, National Institutes of Health
Classification: Likely benign for Wilson disease. Last evaluated: 2024-06-09. Review status: criteria provided, single submitter. Criteria: ACMG Guidelines, 2015. Collection method: clinical testing. Allele origin: germline. Inheritance: Autosomal recessive inheritance. Observed: 1 variant allele, 1 heterozygote.
Comment: This study involves interpretation of variants in research participants for the purpose of population health screening. Participant phenotype was not available at the time of variant classification. Additional details can be found in publication PMID: 35346344, PMCID: PMC8962531

NM_000053.4(ATP7B):c.2637A>G (p.Ala879=)

Gene: ATP7B (ATPase copper transporting beta; minus strand). Cytogenetic location: 13q14.3.
Variant type: single nucleotide variant.
Coding change: c.2637A>G on transcript NM_000053.4 (MANE Select); coding-DNA position 2637, A replaced by G.
Protein change: p.Ala879=; no amino-acid change (alanine 879 retained).
Molecular consequence: synonymous variant.
Genome position (GRCh38, 1-based): chr13:51,950,100, T>C on the plus strand (A>G on the coding strand, the complement: ATP7B is on the minus strand). VCF-style: chr13-51950100-T-C. GRCh37 (hg19) VCF-style: chr13-52524236-T-C.
Other names: c.2151A>G, p.Ala717= (NM_001005918.3, NM_001406541.1, NM_001406542.1 and 1 more transcripts); c.2304A>G, p.Ala768= (NM_001243182.2); c.2403A>G, p.Ala801= (NM_001330578.2, NM_001406527.1, NM_001406528.1 and 2 more transcripts); c.2385A>G, p.Ala795= (NM_001330579.2, NM_001406531.1, NM_001406532.1 and 1 more transcripts); c.2637A>G, p.Ala879= (NM_001406511.1, NM_001406512.1, NM_001406513.1 and 7 more transcripts); c.2604A>G, p.Ala868= (NM_001406514.1); c.2541A>G, p.Ala847= (NM_001406517.1, NM_001406518.1); c.2493A>G, p.Ala831= (NM_001406520.1, NM_001406521.1, NM_001406522.1 and 1 more transcripts); and 8 more.
Identifiers: ClinVar variation 3387625 (VCV003387625.1).